The following is an entry in ClinVar:

NM_025179.4(PLXNA2):c.697C>T (p.Leu233=)

Gene: PLXNA2 (plexin A2; minus strand). Cytogenetic location: 1q32.2.
Variant type: single nucleotide variant.
Coding change: c.697C>T on transcript NM_025179.4 (MANE Select); coding-DNA position 697, C replaced by T.
Protein change: p.Leu233=; no amino-acid change (leucine 233 retained).
Molecular consequence: synonymous variant.
Genome position (GRCh38, 1-based): chr1:208,217,226, G>A on the plus strand (C>T on the coding strand, the complement: PLXNA2 is on the minus strand). VCF-style: chr1-208217226-G-A. GRCh37 (hg19) VCF-style: chr1-208390571-G-A.
Identifiers: ClinVar variation 3354534 (VCV003354534.3).

ClinVar aggregate classification (germline): Likely benign. Review status: criteria provided, single submitter (1 of 4 stars). 2 submissions from 2 submitters: Likely benign (1). 1 of the submissions does not count toward it. Last evaluated 2025-02-03.

Conditions:
PLXNA2-related disorder. Also called: PLXNA2-related condition.

gnomAD v4.1: 4 of 1,614,208 alleles (0.00025%); highest among the groups gnomAD compares: Admixed American, 0.0067%; no homozygotes.

Submissions (2):

Labcorp Genetics (formerly Invitae), Labcorp
Classification: Likely benign. Last evaluated: 2025-02-03. Review status: criteria provided, single submitter. Criteria: Invitae Variant Classification Sherloc (09022015). Collection method: clinical testing. Allele origin: germline.

PreventionGenetics, part of Exact Sciences
Classification: Likely benign for PLXNA2-related condition. Last evaluated: 2022-05-12. Review status: no assertion criteria provided. Collection method: clinical testing. Allele origin: germline. Not counted in ClinVar's aggregate classification.
Comment: This variant is classified as likely benign based on ACMG/AMP sequence variant interpretation guidelines (Richards et al. 2015 PMID: 25741868, with internal and published modifications).